The following is an entry in ClinVar:

ClinVar aggregate classification (germline): Uncertain significance. Review status: criteria provided, multiple submitters, no conflicts (2 of 4 stars). 2 submissions from 2 submitters: Uncertain significance (2). Last evaluated 2025-08-01.

Conditions:
Vici syndrome (VICIS). Identifiers: Orphanet 1493, MedGen C1855772, MONDO:0009452, OMIM 242840.

Allele frequency attached by ClinVar (database versions not stated): ExAC 0.00010; gnomAD exomes 0.00011 and 0.00028; gnomAD 0.00012 and 0.00013; TOPMed 0.00012; ESP Exome Variant Server 0.00025.
gnomAD v4.1: 434 of 1,608,096 alleles (0.027%); highest among the groups gnomAD compares: Non-Finnish European, 0.034%; no homozygotes.

Submissions (2):

CeGaT Center for Human Genetics Tuebingen
Classification: Uncertain significance. Last evaluated: 2025-08-01. Review status: criteria provided, single submitter. Criteria: CeGaT Center For Human Genetics Tuebingen Variant Classification Criteria Version 2. Collection method: clinical testing. Allele origin: germline. Affected: yes. Observed: 1 variant allele.
Comment: EPG5: PM2

Labcorp Genetics (formerly Invitae), Labcorp
Classification: Uncertain significance for Vici syndrome. Last evaluated: 2022-07-04. Review status: criteria provided, single submitter. Criteria: Invitae Variant Classification Sherloc (09022015). Collection method: clinical testing. Allele origin: germline.
Comment: This sequence change replaces leucine, which is neutral and non-polar, with valine, which is neutral and non-polar, at codon 2086 of the EPG5 protein (p.Leu2086Val). This variant is present in population databases (rs200152090, gnomAD 0.02%). This variant has not been reported in the literature in individuals affected with EPG5-related conditions. ClinVar contains an entry for this variant (Variation ID: 968724). Algorithms developed to predict the effect of missense changes on protein structure and function are either unavailable or do not agree on the potential impact of this missense change (SIFT: "Tolerated"; PolyPhen-2: "Probably Damaging"; Align-GVGD: "Class C0"). In summary, the available evidence is currently insufficient to determine the role of this variant in disease. Therefore, it has been classified as a Variant of Uncertain Significance.

NM_020964.3(EPG5):c.6256T>G (p.Leu2086Val)

Gene: EPG5 (ectopic P-granules 5 autophagy tethering factor; minus strand). Cytogenetic location: 18q12.3.
Variant type: single nucleotide variant.
Coding change: c.6256T>G on transcript NM_020964.3 (MANE Select); coding-DNA position 6256, T replaced by G.
Protein change: p.Leu2086Val; replaces leucine 2086 with valine.
Molecular consequence: missense variant.
Genome position (GRCh38, 1-based): chr18:45,867,718, A>C on the plus strand (T>G on the coding strand, the complement: EPG5 is on the minus strand). VCF-style: chr18-45867718-A-C. GRCh37 (hg19) VCF-style: chr18-43447683-A-C.
Other names: short protein forms L2086V.
Identifiers: ClinVar variation 968724 (VCV000968724.15), dbSNP rs200152090, ClinGen allele CA8948316.
Genomic context (GRCh38, chr18:45,867,718, plus strand): 5'-TCCAGGCATCAGAGAGCACACTAACCCAGTTGACTTCACAGAGTACAGACCCCAAAAATA[A>C]GAAACAGCTCTTGGGGCTTCCTCGTTCCACCTAAAAGAAAATGAATTAAAATCATTCTGT-3'
Protein context (NP_066015.2, residues 2076-2096): VERGSPKSCF[Leu2086Val]FLGSVLCEVN